The following is an entry in ClinVar:

ClinVar aggregate classification (germline): Uncertain significance (1 of 4 stars; one submission).

Conditions:
Glycogen storage disease, type II (IOPD). Also called: Pompe Disease; CARDIOMEGALIA GLYCOGENICA DIFFUSA; GLYCOGENOSIS, GENERALIZED, CARDIAC FORM; GSD II; POMPE DISEASE, INFANTILE-ONSET; GLYCOGEN STORAGE DISEASE II, INFANTILE-ONSET. Identifiers: Orphanet 365, MedGen C0017921, MONDO:0009290, OMIM 232300.

gnomAD v4.1: 1 of 1,611,176 alleles (0.000062%); no homozygotes.

Submission:

Genomenon, Inc
Classification: Uncertain significance for Glycogen storage disease, type II. Last evaluated: 2026-07-01. Review status: criteria provided, single submitter. Criteria: Genomenon Sequence Variant Interpretation Standards - Updated. Collection method: curation. Allele origin: germline. Affected: no.
Comment: GAA p.His201Arg (c.602A>G) is a missense variant that changes the amino acid at codon 201 from Histidine to Arginine. This variant has been reported in the published literature (PMID:21963446). It is absent or not present at a significant frequency in gnomAD. In silico models predict that this variant is not damaging. In conclusion, we classify GAA p.His201Arg (c.602A>G) as a variant of uncertain significance.

Literature cited by the submitters: PubMed 21963446.

NM_000152.5(GAA):c.602A>G (p.His201Arg)

Gene: GAA (alpha glucosidase; plus strand). Cytogenetic location: 17q25.3.
Variant type: single nucleotide variant.
Coding change: c.602A>G on transcript NM_000152.5 (MANE Select); coding-DNA position 602, A replaced by G.
Protein change: p.His201Arg; replaces histidine 201 with arginine.
Molecular consequence: missense variant.
Genome position (GRCh38, 1-based): chr17:80,105,804, A>G. VCF-style: chr17-80105804-A-G. GRCh37 (hg19) VCF-style: chr17-78079603-A-G.
Other names: c.602A>G, p.His201Arg (NM_001079803.3, NM_001079804.3, NM_001406741.1 and 1 more transcripts); short protein forms H201R.
Identifiers: ClinVar variation 4876543 (VCV004876543.1).